The following is an entry in ClinVar:

ClinVar aggregate classification (germline): Uncertain significance (1 of 4 stars; one submission).

Conditions:
Idiopathic Pulmonary Fibrosis. Also called: Idiopathic fibrosing alveolitis, chronic form; idiopathic fibrosing alveolitis. Identifiers: Orphanet 2032, MedGen C1800706, MeSH D054990, MONDO:0800504.
Dyskeratosis congenita, autosomal dominant 2. Identifiers: MedGen C3151443, MONDO:0013521, OMIM 613989.

Submission:

Labcorp Genetics (formerly Invitae), Labcorp
Classification: Uncertain significance for Dyskeratosis congenita, autosomal dominant 2; Idiopathic Pulmonary Fibrosis. Last evaluated: 2022-08-22. Review status: criteria provided, single submitter. Criteria: Invitae Variant Classification Sherloc (09022015). Collection method: clinical testing. Allele origin: germline.
Comment: This sequence change replaces leucine, which is neutral and non-polar, with methionine, which is neutral and non-polar, at codon 469 of the TERT protein (p.Leu469Met). This variant is not present in population databases (gnomAD no frequency). In summary, the available evidence is currently insufficient to determine the role of this variant in disease. Therefore, it has been classified as a Variant of Uncertain Significance. Advanced modeling of protein sequence and biophysical properties (such as structural, functional, and spatial information, amino acid conservation, physicochemical variation, residue mobility, and thermodynamic stability) performed at Invitae indicates that this missense variant is expected to disrupt TERT protein function. This variant has not been reported in the literature in individuals affected with TERT-related conditions.

NM_198253.3(TERT):c.1405C>A (p.Leu469Met)

Gene: TERT (telomerase reverse transcriptase; minus strand). Cytogenetic location: 5p15.33.
Variant type: single nucleotide variant.
Coding change: c.1405C>A on transcript NM_198253.3 (MANE Select); coding-DNA position 1405, C replaced by A.
Protein change: p.Leu469Met; replaces leucine 469 with methionine.
Molecular consequence: missense variant. On other transcripts: non-coding transcript variant (2).
Genome position (GRCh38, 1-based): chr5:1,293,481, G>T on the plus strand (C>A on the coding strand, the complement: TERT is on the minus strand). VCF-style: chr5-1293481-G-T. GRCh37 (hg19) VCF-style: chr5-1293596-G-T.
Other names: c.1405C>A, p.Leu469Met (NM_001193376.3, NM_003219.1); short protein forms L469M.
Identifiers: ClinVar variation 1717766 (VCV001717766.6), dbSNP rs2478410125, ClinGen allele CA359085757.